The following is an entry in ClinVar:

NM_206933.4(USH2A):c.785-1G>A

Gene: USH2A (usherin; minus strand). Cytogenetic location: 1q41.
Variant type: single nucleotide variant.
Coding change: c.785-1G>A on transcript NM_206933.4 (MANE Select); the canonical splice acceptor site of the intron before coding-DNA position 785, G replaced by A.
Molecular consequence: splice acceptor variant.
Genome position (GRCh38, 1-based): chr1:216,327,655, C>T on the plus strand (G>A on the coding strand, the complement: USH2A is on the minus strand). VCF-style: chr1-216327655-C-T. GRCh37 (hg19) VCF-style: chr1-216500997-C-T.
Other names: c.785-1G>A (NM_206933.2, NM_007123.6).
Identifiers: ClinVar variation 1477099 (VCV001477099.7), dbSNP rs2037762589, ClinGen allele CA344912940.

ClinVar aggregate classification (germline): Likely pathogenic. Review status: criteria provided, multiple submitters, no conflicts (2 of 4 stars). 2 submissions from 2 submitters: Likely pathogenic (2). Last evaluated 2024-05-23.

Conditions:
Usher syndrome type 2A. Also called: RETINAL DISEASE IN USHER SYNDROME TYPE IIA, MODIFIER OF; USHER SYNDROME, TYPE IIA. Identifiers: Orphanet 231178, Orphanet 886, MedGen C1848634, MONDO:0010169, OMIM 276901.

gnomAD v4.1: 1 of 1,612,992 alleles (0.000062%); highest among the groups gnomAD compares: Admixed American, 0.0017%; no homozygotes.

Submissions (2):

Natera, Inc.
Classification: Likely pathogenic for Usher syndrome type 2A. Last evaluated: 2024-05-23. Review status: criteria provided, single submitter. Criteria: Natera Variant Classification Schema (03/2026). Collection method: clinical testing. Allele origin: germline.
Comment: The c.785-1G>A variant in USH2A is a canonical splice acceptor site variant predicted to affect pre-mRNA splicing, which may result in an abnormal transcript and altered protein product. This variant is expected to result in nonsense mediated decay, truncation, or a dysfunctional protein product. This variant is rare in the general population with a frequency below the threshold expected for the associated phenotype(s). Given the available evidence, this variant is classified as Likely Pathogenic.

Labcorp Genetics (formerly Invitae), Labcorp
Classification: Likely pathogenic. Last evaluated: 2021-09-05. Review status: criteria provided, single submitter. Criteria: Invitae Variant Classification Sherloc (09022015). Collection method: clinical testing. Allele origin: germline.
Comment: This variant is not present in population databases (ExAC no frequency). This sequence change affects an acceptor splice site in intron 4 of the USH2A gene. It is expected to disrupt RNA splicing. Variants that disrupt the donor or acceptor splice site typically lead to a loss of protein function (PMID: 16199547), and loss-of-function variants in USH2A are known to be pathogenic (PMID: 10729113, 10909849, 20507924, 25649381). Disruption of this splice site has been observed in individual(s) with retinitis pigmentosa (Invitae). In summary, the currently available evidence indicates that the variant is pathogenic, but additional data are needed to prove that conclusively. Therefore, this variant has been classified as Likely Pathogenic. Algorithms developed to predict the effect of sequence changes on RNA splicing suggest that this variant may disrupt the consensus splice site.

Literature cited by the submitters: PubMed 16199547 (cited by Labcorp Genetics (formerly Invitae), Labcorp); PubMed 10729113 (cited by Labcorp Genetics (formerly Invitae), Labcorp); PubMed 10909849 (cited by Labcorp Genetics (formerly Invitae), Labcorp); PubMed 20507924 (cited by Labcorp Genetics (formerly Invitae), Labcorp); PubMed 25649381 (cited by Labcorp Genetics (formerly Invitae), Labcorp).